The following is an entry in ClinVar:

NC_000007.14:g.(?_66076072)_(66092922_?)del

Gene: ASL (argininosuccinate lyase; plus strand). Cytogenetic location: 7q11.21.
Variant type: Deletion.
Identifiers: ClinVar variation 833451 (VCV000833451.1).

ClinVar aggregate classification (germline): Pathogenic (1 of 4 stars; one submission).

Conditions:
Argininosuccinate lyase deficiency. Also called: ARGININOSUCCINIC ACID LYASE DEFICIENCY; ASL DEFICIENCY; Argininosuccinic aciduria. Identifiers: Orphanet 23, MedGen C0268547, MONDO:0008815, OMIM 207900, HP:0025630.

Submission:

Labcorp Genetics (formerly Invitae), Labcorp
Classification: Pathogenic for Argininosuccinate lyase deficiency. Last evaluated: 2019-05-24. Review status: criteria provided, single submitter. Criteria: Invitae Variant Classification Sherloc (09022015). Collection method: clinical testing. Allele origin: germline.
Comment: A gross deletion of the genomic region encompassing the full coding sequence of the ASL gene has been identified. The boundaries of this event are unknown as the deletion extends beyond the assayed region for this gene and therefore may encompass additional genes. This deletion has not been reported in the literature in individuals with ASL-related conditions. Loss-of-function variants in ASL are known to be pathogenic (PMID: 2263616, 24166829). For these reasons, this variant has been classified as Pathogenic.